The following is an entry in ClinVar:

NM_005334.3(HCFC1):c.2029-9C>G

Gene: HCFC1 (host cell factor C1; minus strand). Cytogenetic location: Xq28.
Variant type: single nucleotide variant.
Coding change: c.2029-9C>G on transcript NM_005334.3 (MANE Select); 9 bases into the intron before coding-DNA position 2029, C replaced by G.
Molecular consequence: intron variant.
Genome position (GRCh38, 1-based): chrX:153,957,895, G>C on the plus strand (C>G on the coding strand, the complement: HCFC1 is on the minus strand). VCF-style: chrX-153957895-G-C. GRCh37 (hg19) VCF-style: chrX-153223346-G-C.
Identifiers: ClinVar variation 724520 (VCV000724520.10), dbSNP rs374910917, ClinGen allele CA10557406.

ClinVar aggregate classification (germline): Conflicting classifications of pathogenicity. Review status: criteria provided, conflicting classifications (1 of 4 stars). 2 submissions from 2 submitters: Uncertain significance (1); Benign (1). Last evaluated 2026-01-08.

Conditions:
Methylmalonic acidemia with homocystinuria, type cblX (MAHCX). Also called: INTELLECTUAL DEVELOPMENTAL DISORDER, X-LINKED 3. Identifiers: Orphanet 369962, MedGen C0796208, MONDO:0010657, OMIM 309541.

Allele frequency attached by ClinVar (database versions not stated): gnomAD exomes below 0.00001; gnomAD 0.00007 and 0.00006; TOPMed 0.00007; ESP Exome Variant Server 0.00020.
gnomAD v4.1: 14 of 1,182,227 alleles (0.0012%); highest among the groups gnomAD compares: African/African-American, 0.019%; no homozygotes.

Submissions (2):

Labcorp Genetics (formerly Invitae), Labcorp
Classification: Benign for Methylmalonic acidemia with homocystinuria, type cblX. Last evaluated: 2026-01-08. Review status: criteria provided, single submitter. Criteria: Invitae Variant Classification Sherloc (09022015). Collection method: clinical testing. Allele origin: germline.

Dasa
Classification: Uncertain significance. Last evaluated: 2025-12-31. Review status: criteria provided, single submitter. Criteria: DASA Assertion Criteria. Collection method: clinical testing. Allele origin: germline.
Comment: NM_005334.3(HCFC1):c.2029-9C>G is a splice-region variant. This variant is rare in population databases. The currently available literature and clinical evidence are not sufficient to establish a definitive association between this variant and the reported condition. Therefore, this variant is classified as a variant of uncertain significance.